The following is an entry in ClinVar:

ClinVar aggregate classification (germline): Uncertain significance (1 of 4 stars; one submission).

gnomAD v4.1: 3 of 1,612,072 alleles (0.00019%); highest among the groups gnomAD compares: Non-Finnish European, 0.00025%; no homozygotes.

Submission:

Ambry Genetics
Classification: Uncertain significance. Last evaluated: 2022-06-09. Review status: criteria provided, single submitter. Criteria: Ambry Variant Classification Scheme 2023. Collection method: clinical testing. Allele origin: germline.
Comment: The p.L725P variant (also known as c.2174T>C), located in coding exon 14 of the POLQ gene, results from a T to C substitution at nucleotide position 2174. The leucine at codon 725 is replaced by proline, an amino acid with similar properties. This amino acid position is conserved. In addition, this alteration is predicted to be deleterious by in silico analysis. Since supporting evidence is limited at this time, the clinical significance of this alteration remains unclear.

NM_199420.4(POLQ):c.2174T>C (p.Leu725Pro)

Gene: POLQ (DNA polymerase theta; minus strand). Cytogenetic location: 3q13.33.
Variant type: single nucleotide variant.
Coding change: c.2174T>C on transcript NM_199420.4 (MANE Select); coding-DNA position 2174, T replaced by C.
Protein change: p.Leu725Pro; replaces leucine 725 with proline.
Molecular consequence: missense variant.
Genome position (GRCh38, 1-based): chr3:121,496,912, A>G on the plus strand (T>C on the coding strand, the complement: POLQ is on the minus strand). VCF-style: chr3-121496912-A-G. GRCh37 (hg19) VCF-style: chr3-121215759-A-G.
Other names: short protein forms L725P.
Identifiers: ClinVar variation 1787161 (VCV001787161.2), dbSNP rs1442525117, ClinGen allele CA354109372.
Genomic context (GRCh38, chr3:121,496,912, plus strand): 5'-CGATTGCATCCATATTTCTGATTTATTTCCCTTAAGGGAACTTCACTGATTAAATCTAAT[A>G]GCACAAGACTGGTGAAAAACCTGGGAATAAATCATCAAAAGCGTGGTAAGAGATCCTTCA-3'
Protein context (NP_955452.3, residues 715-735): IHKRFFTSLV[Leu725Pro]LDLISEVPLR